The following is an entry in ClinVar:

ClinVar aggregate classification (germline): Uncertain significance (1 of 4 stars; one submission).

Conditions:
CUL3-related disorder. Also called: CUL3-related condition; CUL3-related disorders.

Submission:

PreventionGenetics, part of Exact Sciences
Classification: Uncertain significance for CUL3-related condition. Last evaluated: 2026-05-23. Review status: criteria provided, single submitter. Criteria: ACMG Guidelines, 2015. Collection method: clinical testing. Allele origin: germline.
Comment: The CUL3 c.2297A>G variant is predicted to result in the amino acid substitution p.Tyr766Cys. To our knowledge, this variant has not been reported in the literature or in a large population database (gnomAD), indicating this variant is rare. At this time, the clinical significance of this variant is uncertain due to the absence of conclusive functional and genetic evidence.

NM_003590.5(CUL3):c.2297A>G (p.Tyr766Cys)

Gene: CUL3 (cullin 3; minus strand). Cytogenetic location: 2q36.2.
Variant type: single nucleotide variant.
Coding change: c.2297A>G on transcript NM_003590.5 (MANE Select); coding-DNA position 2297, A replaced by G.
Protein change: p.Tyr766Cys; replaces tyrosine 766 with cysteine.
Molecular consequence: missense variant.
Genome position (GRCh38, 1-based): chr2:224,474,255, T>C on the plus strand (A>G on the coding strand, the complement: CUL3 is on the minus strand). VCF-style: chr2-224474255-T-C. GRCh37 (hg19) VCF-style: chr2-225338972-T-C.
Other names: c.2099A>G, p.Tyr700Cys (NM_001257197.2); c.2315A>G, p.Tyr772Cys (NM_001257198.2); short protein forms Y772C, Y766C, Y700C.
Identifiers: ClinVar variation 4993050 (VCV004993050.1).
Genomic context (GRCh38, chr2:224,474,255, plus strand): 5'-GTCCATGCGAAGAGTACAGTCCAAGAATAAATCAAATTTCTGAACGCATTTTATGCTACA[T>C]ATGTGTATACTTTGCGATCCTCAGGTGTTCGTGCCAAATATTCTCTCTCAATAAGTCCTT-3'
Protein context (NP_003581.1, residues 756-768): RTPEDRKVYT[Tyr766Cys]VA